The following is an entry in ClinVar:

ClinVar aggregate classification (germline): Uncertain significance (1 of 4 stars; one submission).

Conditions:
Inborn genetic diseases. Identifiers: MedGen C0950123, MeSH D030342.

Submission:

Ambry Genetics
Classification: Uncertain significance for Inborn genetic diseases. Last evaluated: 2019-11-21. Review status: criteria provided, single submitter. Criteria: Ambry Variant Classification Scheme 2023. Collection method: clinical testing. Allele origin: germline.
Comment: The p.R1259Q variant (also known as c.3776G>A), located in coding exon 33 of the DNMT1 gene, results from a G to A substitution at nucleotide position 3776. The arginine at codon 1259 is replaced by glutamine, an amino acid with highly similar properties. This amino acid position is well conserved in available vertebrate species. In addition, this alteration is predicted to be tolerated by in silico analysis. Since supporting evidence is limited at this time, the clinical significance of this alteration remains unclear.

NM_001130823.3(DNMT1):c.3824G>A (p.Arg1275Gln)

Gene: DNMT1 (DNA methyltransferase 1; minus strand). Cytogenetic location: 19p13.2.
Variant type: single nucleotide variant.
Coding change: c.3824G>A on transcript NM_001130823.3 (MANE Select); coding-DNA position 3824, G replaced by A.
Protein change: p.Arg1275Gln; replaces arginine 1275 with glutamine.
Molecular consequence: missense variant.
Genome position (GRCh38, 1-based): chr19:10,139,800, C>T on the plus strand (G>A on the coding strand, the complement: DNMT1 is on the minus strand). VCF-style: chr19-10139800-C-T. GRCh37 (hg19) VCF-style: chr19-10250476-C-T.
Other names: c.3776G>A, p.Arg1259Gln (NM_001318730.2, NM_001379.4); c.3461G>A, p.Arg1154Gln (NM_001318731.2); short protein forms R1259Q, R1154Q, R1275Q.
Identifiers: ClinVar variation 1734800 (VCV001734800.2), dbSNP rs2513777841, ClinGen allele CA403972593.